The following is an entry in ClinVar:

ClinVar aggregate classification (germline): Uncertain significance (1 of 4 stars; one submission).

Conditions:
Primary ciliary dyskinesia 32. Also called: CILIARY DYSKINESIA, PRIMARY, 32, WITHOUT SITUS INVERSUS. Identifiers: Orphanet 244, MedGen C4225311, MONDO:0014657, OMIM 616481.

Allele frequency attached by ClinVar (database versions not stated): ExAC 0.00001.
gnomAD v4.1: 5 of 1,614,102 alleles (0.00031%); highest among the groups gnomAD compares: Non-Finnish European, 0.00042%; no homozygotes.

Submission:

Labcorp Genetics (formerly Invitae), Labcorp
Classification: Uncertain significance for Primary ciliary dyskinesia 32. Last evaluated: 2023-06-10. Review status: criteria provided, single submitter. Criteria: Invitae Variant Classification Sherloc (09022015). Collection method: clinical testing. Allele origin: germline.
Comment: This sequence change replaces histidine, which is basic and polar, with glutamine, which is neutral and polar, at codon 386 of the RSPH3 protein (p.His386Gln). This variant is not present in population databases (gnomAD no frequency). This variant has not been reported in the literature in individuals affected with RSPH3-related conditions. Algorithms developed to predict the effect of missense changes on protein structure and function output the following: SIFT: "Not Available"; PolyPhen-2: "Benign"; Align-GVGD: "Not Available". The glutamine amino acid residue is found in multiple mammalian species, which suggests that this missense change does not adversely affect protein function. In summary, the available evidence is currently insufficient to determine the role of this variant in disease. Therefore, it has been classified as a Variant of Uncertain Significance.

NM_031924.8(RSPH3):c.732C>A (p.His244Gln)

Gene: RSPH3 (radial spoke head 3; minus strand). Cytogenetic location: 6q25.3.
Variant type: single nucleotide variant.
Coding change: c.732C>A on transcript NM_031924.8 (MANE Select); coding-DNA position 732, C replaced by A.
Protein change: p.His244Gln; replaces histidine 244 with glutamine.
Molecular consequence: missense variant. On other transcripts: non-coding transcript variant (1).
Genome position (GRCh38, 1-based): chr6:158,980,901, G>T on the plus strand (C>A on the coding strand, the complement: RSPH3 is on the minus strand). VCF-style: chr6-158980901-G-T. GRCh37 (hg19) VCF-style: chr6-159401933-G-T.
Other names: c.870C>A, p.His290Gln (NM_001346418.1); short protein forms H244Q, H290Q.
Identifiers: ClinVar variation 3013907 (VCV003013907.3), dbSNP rs766532794, ClinGen allele CA4075830.